The following is an entry in ClinVar:

ClinVar aggregate classification (germline): Uncertain significance (1 of 4 stars; one submission).

Allele frequency attached by ClinVar (database versions not stated): TOPMed below 0.00001; gnomAD exomes 0.00001.
gnomAD v4.1: 5 of 1,614,160 alleles (0.00031%); highest among the groups gnomAD compares: Non-Finnish European, 0.000085%; no homozygotes.

Submission:

Labcorp Genetics (formerly Invitae), Labcorp
Classification: Uncertain significance. Last evaluated: 2023-01-12. Review status: criteria provided, single submitter. Criteria: Invitae Variant Classification Sherloc (09022015). Collection method: clinical testing. Allele origin: germline.
Comment: In summary, the available evidence is currently insufficient to determine the role of this variant in disease. Therefore, it has been classified as a Variant of Uncertain Significance. Advanced modeling of protein sequence and biophysical properties (such as structural, functional, and spatial information, amino acid conservation, physicochemical variation, residue mobility, and thermodynamic stability) performed at Invitae indicates that this missense variant is not expected to disrupt AUTS2 protein function. This variant has not been reported in the literature in individuals affected with AUTS2-related conditions. This variant is present in population databases (no rsID available, gnomAD 0.01%). This sequence change replaces histidine, which is basic and polar, with glutamine, which is neutral and polar, at codon 703 of the AUTS2 protein (p.His703Gln).

NM_015570.4(AUTS2):c.2109T>G (p.His703Gln)

Gene: AUTS2 (activator of transcription and developmental regulator AUTS2; plus strand). Cytogenetic location: 7q11.22.
Variant type: single nucleotide variant.
Coding change: c.2109T>G on transcript NM_015570.4 (MANE Select); coding-DNA position 2109, T replaced by G.
Protein change: p.His703Gln; replaces histidine 703 with glutamine.
Molecular consequence: missense variant.
Genome position (GRCh38, 1-based): chr7:70,781,719, T>G. VCF-style: chr7-70781719-T-G. GRCh37 (hg19) VCF-style: chr7-70246705-T-G.
Other names: c.2037T>G, p.His679Gln (NM_001127231.3); short protein forms H679Q, H703Q.
Identifiers: ClinVar variation 2904115 (VCV002904115.3), dbSNP rs1260621089, ClinGen allele CA367663222.
Genomic context (GRCh38, chr7:70,781,719, plus strand): 5'-ACCTGAGTTCCTGAGCCGCCCTCCAGGCCCCAGTCTTTTTGGAGCCATCCACCACCCCCA[T>G]GACCTGGCACGGCCTTCAACTTTGTTCTCTGCCGCTGGTGAGTGTGGGTTTGGGTGGGGG-3'
Protein context (NP_056385.1, residues 693-713): PSLFGAIHHP[His703Gln]DLARPSTLFS